The following is an entry in ClinVar:

NM_182977.3(NNT):c.837G>C (p.Lys279Asn)

Gene: NNT (nicotinamide nucleotide transhydrogenase; plus strand). Cytogenetic location: 5p12.
Variant type: single nucleotide variant.
Coding change: c.837G>C on transcript NM_182977.3 (MANE Select); coding-DNA position 837, G replaced by C.
Protein change: p.Lys279Asn; replaces lysine 279 with asparagine.
Molecular consequence: missense variant.
Genome position (GRCh38, 1-based): chr5:43,628,260, G>C. VCF-style: chr5-43628260-G-C. GRCh37 (hg19) VCF-style: chr5-43628362-G-C.
Other names: c.444G>C, p.Lys148Asn (NM_001331026.2); c.837G>C, p.Lys279Asn (NM_012343.4); short protein forms K279N, K148N.
Identifiers: ClinVar variation 1934402 (VCV001934402.5), dbSNP rs147111520, ClinGen allele CA3257833.
Genomic context (GRCh38, chr5:43,628,260, plus strand): 5'-AGCTGCAGCTTTGGAACAGTTCAAGTCTCTTGGTGCTGAGCCCTTGGAGGTGGACTTGAA[G>C]GAATCTGGTGAGGGACAAGGAGGATATGCAAAAGAGATGTCCAAAGAGTTCATTGAAGCT-3'
Protein context (NP_892022.2, residues 269-289): LGAEPLEVDL[Lys279Asn]ESGEGQGGYA

ClinVar aggregate classification (germline): Uncertain significance (1 of 4 stars; one submission).

gnomAD v4.1: 7 of 1,613,980 alleles (0.00043%); highest among the groups gnomAD compares: Non-Finnish European, 0.00059%; no homozygotes.

Submission:

Labcorp Genetics (formerly Invitae), Labcorp
Classification: Uncertain significance. Last evaluated: 2022-07-16. Review status: criteria provided, single submitter. Criteria: Invitae Variant Classification Sherloc (09022015). Collection method: clinical testing. Allele origin: germline.
Comment: This sequence change replaces lysine, which is basic and polar, with asparagine, which is neutral and polar, at codon 279 of the NNT protein (p.Lys279Asn). This variant is present in population databases (rs147111520, gnomAD 0.004%). This variant has not been reported in the literature in individuals affected with NNT-related conditions. Algorithms developed to predict the effect of missense changes on protein structure and function are either unavailable or do not agree on the potential impact of this missense change (SIFT: "Deleterious"; PolyPhen-2: "Benign"; Align-GVGD: "Class C0"). In summary, the available evidence is currently insufficient to determine the role of this variant in disease. Therefore, it has been classified as a Variant of Uncertain Significance.